The following is an entry in ClinVar:

NM_001369.3(DNAH5):c.10243T>G (p.Ser3415Ala)

Gene: DNAH5 (dynein axonemal heavy chain 5; minus strand). Cytogenetic location: 5p15.2.
Variant type: single nucleotide variant.
Coding change: c.10243T>G on transcript NM_001369.3 (MANE Select); coding-DNA position 10243, T replaced by G.
Protein change: p.Ser3415Ala; replaces serine 3415 with alanine.
Molecular consequence: missense variant.
Genome position (GRCh38, 1-based): chr5:13,762,760, A>C on the plus strand (T>G on the coding strand, the complement: DNAH5 is on the minus strand). VCF-style: chr5-13762760-A-C. GRCh37 (hg19) VCF-style: chr5-13762869-A-C.
Other names: short protein forms S3415A.
Identifiers: ClinVar variation 4013097 (VCV004013097.1).
Genomic context (GRCh38, chr5:13,762,760, plus strand): 5'-CAGGTCTGCCTAGCAGGCTTACCTTCAGAGGCAGTACTTCTTTGTTTATAGAAAAGAAGG[A>C]AGCCATAGCTTTCGTCCAGGAACAAAGACCAGCTACATTTCCACATACGCGTTTAGCAGT-3'
Protein context (NP_001360.1, residues 3405-3425): GLCSWTKAMA[Ser3415Ala]FFSINKEVLP

ClinVar aggregate classification (germline): Uncertain significance (1 of 4 stars; one submission).

Conditions:
Primary ciliary dyskinesia. Also called: Ciliary dyskinesia. Identifiers: Orphanet 244, MedGen C0008780, MONDO:0016575, HP:0012265.

Submission:

Ambry Genetics
Classification: Uncertain significance for Primary ciliary dyskinesia. Last evaluated: 2025-04-07. Review status: criteria provided, single submitter. Criteria: Ambry Variant Classification Scheme 2023. Collection method: clinical testing. Allele origin: germline.
Comment: The p.S3415A variant (also known as c.10243T>G), located in coding exon 60 of the DNAH5 gene, results from a T to G substitution at nucleotide position 10243. The serine at codon 3415 is replaced by alanine, an amino acid with similar properties. This amino acid position is conserved. In addition, this alteration is predicted to be tolerated by in silico analysis. Based on the available evidence, the clinical significance of this variant remains unclear.